The following is an entry in ClinVar:

NM_006031.6(PCNT):c.7903C>T (p.Leu2635Phe)

Gene: PCNT (pericentrin; plus strand). Cytogenetic location: 21q22.3.
Variant type: single nucleotide variant.
Coding change: c.7903C>T on transcript NM_006031.6 (MANE Select); coding-DNA position 7903, C replaced by T.
Protein change: p.Leu2635Phe; replaces leucine 2635 with phenylalanine.
Molecular consequence: missense variant.
Genome position (GRCh38, 1-based): chr21:46,430,222, C>T. VCF-style: chr21-46430222-C-T. GRCh37 (hg19) VCF-style: chr21-47850136-C-T.
Other names: c.7549C>T, p.Leu2517Phe (NM_001315529.2); short protein forms L2517F, L2635F.
Identifiers: ClinVar variation 895896 (VCV000895896.7), dbSNP rs372068143, ClinGen allele CA322015077.

ClinVar aggregate classification (germline): Uncertain significance. Review status: criteria provided, multiple submitters, no conflicts (2 of 4 stars). 2 submissions from 2 submitters: Uncertain significance (2). Last evaluated 2023-12-22.

Conditions:
Microcephalic osteodysplastic primordial dwarfism type II (MOPD2). Also called: Microcephalic osteodysplastic primordial dwarfism with tooth abnormalities; MOPD II; OSTEODYSPLASTIC PRIMORDIAL DWARFISM, TYPE II. Identifiers: Orphanet 2637, MedGen C0432246, MONDO:0008872, OMIM 210720.

Allele frequency attached by ClinVar (database versions not stated): gnomAD exomes below 0.00001; TOPMed below 0.00001; ESP Exome Variant Server 0.00008.
gnomAD v4.1: 4 of 1,613,144 alleles (0.00025%); highest among the groups gnomAD compares: Admixed American, 0.0017%; no homozygotes.

Submissions (2):

Labcorp Genetics (formerly Invitae), Labcorp
Classification: Uncertain significance. Last evaluated: 2023-12-22. Review status: criteria provided, single submitter. Criteria: Invitae Variant Classification Sherloc (09022015). Collection method: clinical testing. Allele origin: germline.
Comment: This sequence change replaces leucine, which is neutral and non-polar, with phenylalanine, which is neutral and non-polar, at codon 2635 of the PCNT protein (p.Leu2635Phe). This variant is not present in population databases (gnomAD no frequency). This variant has not been reported in the literature in individuals affected with PCNT-related conditions. ClinVar contains an entry for this variant (Variation ID: 895896). An algorithm developed to predict the effect of missense changes on protein structure and function (PolyPhen-2) suggests that this variant is likely to be tolerated. In summary, the available evidence is currently insufficient to determine the role of this variant in disease. Therefore, it has been classified as a Variant of Uncertain Significance.

Illumina Laboratory Services, Illumina
Classification: Uncertain significance for Microcephalic osteodysplastic primordial dwarfism type II. Last evaluated: 2018-01-12. Review status: criteria provided, single submitter. Criteria: ICSL Variant Classification Criteria 13 December 2019. Collection method: clinical testing. Allele origin: germline.